The following is an entry in ClinVar:

NM_023036.6(DNAI2):c.1348-1G>T

Gene: DNAI2 (dynein axonemal intermediate chain 2; plus strand). Cytogenetic location: 17q25.1.
Variant type: single nucleotide variant.
Coding change: c.1348-1G>T on transcript NM_023036.6 (MANE Select); the canonical splice acceptor site of the intron before coding-DNA position 1348, G replaced by T.
Molecular consequence: splice acceptor variant. On other transcripts: intron variant (1).
Genome position (GRCh38, 1-based): chr17:74,310,016, G>T. VCF-style: chr17-74310016-G-T. GRCh37 (hg19) VCF-style: chr17-72306155-G-T.
Other names: c.1348-1G>T (NM_001353167.2); c.1348-37G>T (NM_001172810.3).
Identifiers: ClinVar variation 1489720 (VCV001489720.8), dbSNP rs745755917, ClinGen allele CA400912620.

ClinVar aggregate classification (germline): Likely pathogenic (1 of 4 stars; one submission).

Conditions:
Primary ciliary dyskinesia. Also called: Ciliary dyskinesia. Identifiers: Orphanet 244, MedGen C0008780, MONDO:0016575, HP:0012265.

Submission:

Labcorp Genetics (formerly Invitae), Labcorp
Classification: Likely pathogenic for Primary ciliary dyskinesia. Last evaluated: 2023-02-03. Review status: criteria provided, single submitter. Criteria: Invitae Variant Classification Sherloc (09022015). Collection method: clinical testing. Allele origin: germline.
Comment: This sequence change affects an acceptor splice site in intron 10 of the DNAI2 gene. It is expected to disrupt RNA splicing. Variants that disrupt the donor or acceptor splice site typically lead to a loss of protein function (PMID: 16199547), and loss-of-function variants in DNAI2 are known to be pathogenic (PMID: 18950741, 23891469). In summary, the currently available evidence indicates that the variant is pathogenic, but additional data are needed to prove that conclusively. Therefore, this variant has been classified as Likely Pathogenic. Algorithms developed to predict the effect of sequence changes on RNA splicing suggest that this variant may disrupt the consensus splice site. ClinVar contains an entry for this variant (Variation ID: 1489720). This variant has not been reported in the literature in individuals affected with DNAI2-related conditions. This variant is not present in population databases (gnomAD no frequency).

Literature cited by the submitters: PubMed 16199547; PubMed 18950741; PubMed 23891469.